The following is an entry in ClinVar:

ClinVar aggregate classification (germline): Benign. Review status: criteria provided, multiple submitters, no conflicts (2 of 4 stars). 4 submissions from 4 submitters: Benign (3). 1 of the submissions does not count toward it. Last evaluated 2026-02-01.

Conditions:
LAMB1-related disorder. Also called: LAMB1-related condition.

Allele frequency attached by ClinVar (database versions not stated): gnomAD exomes 0.00516; ExAC 0.00654; gnomAD 0.01943 and 0.02087; ESP Exome Variant Server 0.02114; TOPMed 0.02236; 1000 Genomes Project 0.02276; 1000 Genomes Project 30x 0.02530.

Submissions (4):

Labcorp Genetics (formerly Invitae), Labcorp
Classification: Benign. Last evaluated: 2026-02-01. Review status: criteria provided, single submitter. Criteria: Invitae Variant Classification Sherloc (09022015). Collection method: clinical testing. Allele origin: germline.

GeneDx
Classification: Benign. Last evaluated: 2016-02-11. Review status: criteria provided, single submitter. Criteria: GeneDx Variant Classification (06012015). Collection method: clinical testing. Allele origin: germline. Affected: yes.
Comment: This variant is considered likely benign or benign based on one or more of the following criteria: it is a conservative change, it occurs at a poorly conserved position in the protein, it is predicted to be benign by multiple in silico algorithms, and/or has population frequency not consistent with disease.

Breakthrough Genomics
Classification: Benign. Review status: criteria provided, single submitter. Criteria: ACMG Guidelines, 2015. Collection method: not provided. Allele origin: germline. Inheritance: Autosomal recessive inheritance. Affected: yes.

PreventionGenetics, part of Exact Sciences
Classification: Benign for LAMB1-related condition. Last evaluated: 2019-06-18. Review status: no assertion criteria provided. Collection method: clinical testing. Allele origin: germline. Not counted in ClinVar's aggregate classification.
Comment: This variant is classified as benign based on ACMG/AMP sequence variant interpretation guidelines (Richards et al. 2015 PMID: 25741868, with internal and published modifications).

NM_002291.3(LAMB1):c.3141C>T (p.Cys1047=)

Gene: LAMB1 (laminin subunit beta 1; minus strand). Cytogenetic location: 7q31.1.
Variant type: single nucleotide variant.
Coding change: c.3141C>T on transcript NM_002291.3 (MANE Select); coding-DNA position 3141, C replaced by T.
Protein change: p.Cys1047=; no amino-acid change (cysteine 1047 retained).
Molecular consequence: synonymous variant.
Genome position (GRCh38, 1-based): chr7:107,952,162, G>A on the plus strand (C>T on the coding strand, the complement: LAMB1 is on the minus strand). VCF-style: chr7-107952162-G-A. GRCh37 (hg19) VCF-style: chr7-107592607-G-A.
Identifiers: ClinVar variation 382925 (VCV000382925.15), dbSNP rs34532909, ClinGen allele CA4435419.